The following is an entry in ClinVar:

NM_006270.5(RRAS):c.60G>C (p.Gly20=)

Gene: RRAS (RAS related; minus strand). Cytogenetic location: 19q13.33.
Variant type: single nucleotide variant.
Coding change: c.60G>C on transcript NM_006270.5 (MANE Select); coding-DNA position 60, G replaced by C.
Protein change: p.Gly20=; no amino-acid change (glycine 20 retained).
Molecular consequence: synonymous variant.
Genome position (GRCh38, 1-based): chr19:49,640,039, C>G on the plus strand (G>C on the coding strand, the complement: RRAS is on the minus strand). VCF-style: chr19-49640039-C-G. GRCh37 (hg19) VCF-style: chr19-50143296-C-G.
Identifiers: ClinVar variation 3039282 (VCV003039282.2), dbSNP rs2513709734, ClinGen allele CA508131237.
Genomic context (GRCh38, chr19:49,640,039, plus strand): 5'-CACGCCGCCGCCGCCCACGACCACCAGCTTGTGTGTCTCGCTGGGCGGGGGGTCCCCGGG[C>G]CCAGGTCCCCCGCCCCGGGGCCGCCCCCGCCCTGTCCCGGACGCCGCCCCGCTGCTCATG-3'
Protein context (NP_006261.1, residues 10-30): GRGRPRGGGP[Gly20=]PGDPPPSETH

ClinVar aggregate classification (germline): Likely benign (0 of 4 stars; one submission).

Conditions:
RRAS-related disorder. Also called: RRAS-related condition.

Submission:

PreventionGenetics, part of Exact Sciences
Classification: Likely benign for RRAS-related condition. Last evaluated: 2020-01-09. Review status: no assertion criteria provided. Collection method: clinical testing. Allele origin: germline.
Comment: This variant is classified as likely benign based on ACMG/AMP sequence variant interpretation guidelines (Richards et al. 2015 PMID: 25741868, with internal and published modifications).